The following is an entry in ClinVar:

NM_006767.4(LZTR1):c.1831G>A (p.Val611Met)

Gene: LZTR1 (leucine zipper like post translational regulator 1; plus strand). Cytogenetic location: 22q11.21.
Variant type: single nucleotide variant.
Coding change: c.1831G>A on transcript NM_006767.4 (MANE Select); coding-DNA position 1831, G replaced by A.
Protein change: p.Val611Met; replaces valine 611 with methionine.
Molecular consequence: missense variant.
Genome position (GRCh38, 1-based): chr22:20,994,915, G>A. VCF-style: chr22-20994915-G-A. GRCh37 (hg19) VCF-style: chr22-21349204-G-A.
Other names: short protein forms V611M.
Identifiers: ClinVar variation 1780966 (VCV001780966.2), dbSNP rs2518622386, ClinGen allele CA410778549.

ClinVar aggregate classification (germline): Uncertain significance (1 of 4 stars; one submission).

Conditions:
Hereditary cancer-predisposing syndrome. Also called: Neoplastic Syndromes, Hereditary; Tumor predisposition; Hereditary Cancer Syndrome; Hereditary neoplastic syndrome. Identifiers: Orphanet 140162, MedGen C0027672, MeSH D009386, MONDO:0015356.
Cardiovascular phenotype. Identifiers: MedGen CN230736.

Allele frequency attached by ClinVar (database versions not stated): gnomAD exomes below 0.00001.
gnomAD v4.1: 1 of 1,613,424 alleles (0.000062%); highest among the groups gnomAD compares: South Asian, 0.0011%; no homozygotes.

Submission:

Ambry Genetics
Classification: Uncertain significance for Cardiovascular phenotype; Hereditary cancer-predisposing syndrome. Last evaluated: 2022-09-17. Review status: criteria provided, single submitter. Criteria: Ambry Variant Classification Scheme 2023. Collection method: clinical testing. Allele origin: germline.
Comment: The p.V611M variant (also known as c.1831G>A), located in coding exon 16 of the LZTR1 gene, results from a G to A substitution at nucleotide position 1831. The valine at codon 611 is replaced by methionine, an amino acid with highly similar properties. This amino acid position is conserved. In addition, the in silico prediction for this alteration is inconclusive. Since supporting evidence is limited at this time, the clinical significance of this alteration remains unclear.